The following is an entry in ClinVar:

ClinVar aggregate classification (germline): Uncertain significance. Review status: criteria provided, multiple submitters, no conflicts (2 of 4 stars). 2 submissions from 2 submitters: Uncertain significance (2). Last evaluated 2024-10-09.

Allele frequency attached by ClinVar (database versions not stated): gnomAD exomes below 0.00001; ExAC 0.00001; TOPMed 0.00002; gnomAD 0.00003.

Submissions (2):

Ambry Genetics
Classification: Uncertain significance. Last evaluated: 2024-10-09. Review status: criteria provided, single submitter. Criteria: Ambry Variant Classification Scheme 2023. Collection method: clinical testing. Allele origin: germline.

Labcorp Genetics (formerly Invitae), Labcorp
Classification: Uncertain significance. Last evaluated: 2022-07-31. Review status: criteria provided, single submitter. Criteria: Invitae Variant Classification Sherloc (09022015). Collection method: clinical testing. Allele origin: germline.
Comment: This variant is present in population databases (rs776479075, gnomAD 0.002%). This variant has not been reported in the literature in individuals affected with KANK4-related conditions. Algorithms developed to predict the effect of missense changes on protein structure and function (SIFT, PolyPhen-2, Align-GVGD) all suggest that this variant is likely to be tolerated. In summary, the available evidence is currently insufficient to determine the role of this variant in disease. Therefore, it has been classified as a Variant of Uncertain Significance. This sequence change replaces proline, which is neutral and non-polar, with serine, which is neutral and polar, at codon 110 of the KANK4 protein (p.Pro110Ser).

NM_181712.5(KANK4):c.328C>T (p.Pro110Ser)

Gene: KANK4 (KN motif and ankyrin repeat domains 4; minus strand). Cytogenetic location: 1p31.3.
Variant type: single nucleotide variant.
Coding change: c.328C>T on transcript NM_181712.5 (MANE Select); coding-DNA position 328, C replaced by T.
Protein change: p.Pro110Ser; replaces proline 110 with serine.
Molecular consequence: missense variant. On other transcripts: intron variant (1).
Genome position (GRCh38, 1-based): chr1:62,274,776, G>A on the plus strand (C>T on the coding strand, the complement: KANK4 is on the minus strand). VCF-style: chr1-62274776-G-A. GRCh37 (hg19) VCF-style: chr1-62740448-G-A.
Other names: c.328C>T (NM_181712.4); c.17-3187C>T (NM_001320269.2); short protein forms P110S.
Identifiers: ClinVar variation 1899298 (VCV001899298.6), dbSNP rs776479075, ClinGen allele CA884594.
Genomic context (GRCh38, chr1:62,274,776, plus strand): 5'-TCCTGTGGTAGCTCACCTCACTCCTGCTTGTTGAGGCCTGGGGGGCATTACCAAGCGGTG[G>A]TGACTGGTTTTGCTCCTGTGTCCCAAGTGATGCCTCCCTTGGCACCACGGGAGACCAGTT-3'
Protein context (NP_859063.3, residues 100-120): SLGTQEQNQS[Pro110Ser]PLGNAPQAST